The following is an entry in ClinVar:

ClinVar aggregate classification (germline): Uncertain significance (1 of 4 stars; one submission).

Conditions:
Emery-Dreifuss muscular dystrophy (EDMD). Also called: Scapuloperoneal syndrome, X-linked (formerly); Humeroperoneal neuromuscular disease, (formerly). Identifiers: Orphanet 261, MedGen C0410189, MONDO:0016830.

gnomAD v4.1: 24 of 1,614,248 alleles (0.0015%); highest among the groups gnomAD compares: Middle Eastern, 0.082%; no homozygotes.

Submission:

Labcorp Genetics (formerly Invitae), Labcorp
Classification: Uncertain significance for Emery-Dreifuss muscular dystrophy. Last evaluated: 2025-08-20. Review status: criteria provided, single submitter. Criteria: Invitae Variant Classification Sherloc (09022015). Collection method: clinical testing. Allele origin: germline.
Comment: This sequence change replaces valine, which is neutral and non-polar, with methionine, which is neutral and non-polar, at codon 568 of the SUN1 protein (p.Val568Met). The frequency data for this variant in the population databases is considered unreliable, as metrics indicate poor data quality at this position in the gnomAD database. This variant has not been reported in the literature in individuals affected with SUN1-related conditions. ClinVar contains an entry for this variant (Variation ID: 3671215). An algorithm developed to predict the effect of missense changes on protein structure and function (PolyPhen-2) suggests that this variant is likely to be disruptive. In summary, the available evidence is currently insufficient to determine the role of this variant in disease. Therefore, it has been classified as a Variant of Uncertain Significance.

NM_001130965.3(SUN1):c.1702G>A (p.Val568Met)

Gene: SUN1 (Sad1 and UNC84 domain containing 1; plus strand). Cytogenetic location: 7p22.3.
Variant type: single nucleotide variant.
Coding change: c.1702G>A on transcript NM_001130965.3 (MANE Select); coding-DNA position 1702, G replaced by A.
Protein change: p.Val568Met; replaces valine 568 with methionine.
Molecular consequence: missense variant. On other transcripts: non-coding transcript variant (3).
Genome position (GRCh38, 1-based): chr7:860,305, G>A. VCF-style: chr7-860305-G-A. GRCh37 (hg19) VCF-style: chr7-899942-G-A.
Other names: c.1660G>A, p.Val554Met (NM_001367679.1); c.1636G>A, p.Val546Met (NM_001367680.1); c.1750G>A, p.Val584Met (NM_001367681.1, NM_001367645.1); c.1984G>A, p.Val662Met (NM_001367682.1, NM_001367641.1); c.1786G>A, p.Val596Met (NM_001367683.1); c.1861G>A, p.Val621Met (NM_001367684.1); c.1813G>A, p.Val605Met (NM_001367685.1, NM_001367664.1); c.1534G>A, p.Val512Met (NM_001367686.1); and 43 more; short protein forms V546M, V567M, V572M, V577M, V596M, V604M, V611M, V621M.
Identifiers: ClinVar variation 3671215 (VCV003671215.2).